The following is an entry in ClinVar:

ClinVar aggregate classification (germline): Uncertain significance (1 of 4 stars; one submission).

Conditions:
Inborn genetic diseases. Identifiers: MedGen C0950123, MeSH D030342.

Submission:

Ambry Genetics
Classification: Uncertain significance for Inborn genetic diseases. Last evaluated: 2026-08-04. Review status: criteria provided, single submitter. Criteria: Ambry Variant Classification Scheme 2023. Collection method: clinical testing. Allele origin: germline.
Comment: The p.G80V variant (also known as c.239G>T), located in coding exon 2 of the HAX1 gene, results from a G to T substitution at nucleotide position 239. The glycine at codon 80 is replaced by valine, an amino acid with dissimilar properties. This amino acid position is conserved. In addition, the in silico prediction for this alteration is inconclusive. Based on the available evidence, the clinical significance of this variant remains unclear.

NM_006118.4(HAX1):c.239G>T (p.Gly80Val)

Gene: HAX1 (HCLS1 associated protein X-1; plus strand). Cytogenetic location: 1q21.3.
Variant type: single nucleotide variant.
Coding change: c.239G>T on transcript NM_006118.4 (MANE Select); coding-DNA position 239, G replaced by T.
Protein change: p.Gly80Val; replaces glycine 80 with valine.
Molecular consequence: missense variant.
Genome position (GRCh38, 1-based): chr1:154,273,521, G>T. VCF-style: chr1-154273521-G-T. GRCh37 (hg19) VCF-style: chr1-154245997-G-T.
Other names: c.95G>T, p.Gly32Val (NM_001018837.2); short protein forms G80V, G32V.
Identifiers: ClinVar variation 5022586 (VCV005022586.1).